The following is an entry in ClinVar:

NM_004360.5(CDH1):c.1351A>G (p.Ile451Val)

Gene: CDH1 (cadherin 1; plus strand). Cytogenetic location: 16q22.1.
Variant type: single nucleotide variant.
Coding change: c.1351A>G on transcript NM_004360.5 (MANE Select); coding-DNA position 1351, A replaced by G.
Protein change: p.Ile451Val; replaces isoleucine 451 with valine.
Molecular consequence: missense variant. On other transcripts: 5 prime UTR variant (2).
Genome position (GRCh38, 1-based): chr16:68,815,545, A>G. VCF-style: chr16-68815545-A-G. GRCh37 (hg19) VCF-style: chr16-68849448-A-G.
Other names: c.1168A>G, p.Ile390Val (NM_001317184.2); c.-198A>G (NM_001317185.2); c.-469A>G (NM_001317186.2); short protein forms I451V, I390V.
Identifiers: ClinVar variation 926654 (VCV000926654.9), dbSNP rs377416092, ClinGen allele CA396462749.

ClinVar aggregate classification (germline): Conflicting classifications of pathogenicity. Review status: criteria provided, conflicting classifications (1 of 4 stars). 3 submissions from 3 submitters: Uncertain significance (2); Likely benign (1). Last evaluated 2024-05-29.

Conditions:
Hereditary cancer-predisposing syndrome. Also called: Neoplastic Syndromes, Hereditary; Tumor predisposition; Hereditary Cancer Syndrome; Hereditary neoplastic syndrome. Identifiers: Orphanet 140162, MedGen C0027672, MeSH D009386, MONDO:0015356.

gnomAD v4.1: 1 of 1,614,248 alleles (0.000062%); highest among the groups gnomAD compares: Non-Finnish European, 0.000085%; no homozygotes.

Submissions (3):

Ambry Genetics
Classification: Likely benign for Hereditary cancer-predisposing syndrome. Last evaluated: 2024-05-29. Review status: criteria provided, single submitter. Criteria: Ambry Variant Classification Scheme 2023. Collection method: clinical testing. Allele origin: germline.

Color Diagnostics, LLC DBA Color Health
Classification: Uncertain significance for Hereditary cancer-predisposing syndrome. Last evaluated: 2021-12-23. Review status: criteria provided, single submitter. Criteria: ACMG Guidelines, 2015. Collection method: clinical testing. Allele origin: germline.
Comment: This missense variant replaces isoleucine with valine at codon 451 of the CDH1 protein. Computational prediction suggests that this variant may not impact protein structure and function (internally defined REVEL score threshold <= 0.5, PMID: 27666373). To our knowledge, functional studies have not been reported for this variant. This variant has not been reported in individuals affected with hereditary cancer in the literature. This variant has not been identified in the general population by the Genome Aggregation Database (gnomAD). The available evidence is insufficient to determine the role of this variant in disease conclusively. Therefore, this variant is classified as a Variant of Uncertain Significance.

Quest Diagnostics Nichols Institute San Juan Capistrano
Classification: Uncertain significance. Last evaluated: 2021-03-15. Review status: criteria provided, single submitter. Criteria: Quest Diagnostics criteria. Collection method: clinical testing. Allele origin: unknown.